The following is an entry in ClinVar:

NM_001458.5(FLNC):c.4831A>T (p.Thr1611Ser)

Gene: FLNC (filamin C; plus strand). Cytogenetic location: 7q32.1.
Variant type: single nucleotide variant.
Coding change: c.4831A>T on transcript NM_001458.5 (MANE Select); coding-DNA position 4831, A replaced by T.
Protein change: p.Thr1611Ser; replaces threonine 1611 with serine.
Molecular consequence: missense variant.
Genome position (GRCh38, 1-based): chr7:128,848,886, A>T. VCF-style: chr7-128848886-A-T. GRCh37 (hg19) VCF-style: chr7-128488940-A-T.
Other names: c.4831A>T, p.Thr1611Ser (NM_001127487.2); short protein forms T1611S.
Identifiers: ClinVar variation 1055720 (VCV001055720.11), dbSNP rs770231264, ClinGen allele CA4475468.

ClinVar aggregate classification (germline): Conflicting classifications of pathogenicity. Review status: criteria provided, conflicting classifications (1 of 4 stars). 4 submissions from 4 submitters: Uncertain significance (3); Likely benign (1). Last evaluated 2025-10-27.

Conditions:
Distal myopathy with posterior leg and anterior hand involvement. Also called: WILLIAMS DISTAL MYOPATHY. Identifiers: Orphanet 63273, MedGen C3279722, MONDO:0013550, OMIM 614065.
Hypertrophic cardiomyopathy 26. Also called: Cardiomyopathy, familial hypertrophic, 26. Identifiers: Orphanet 75249, MedGen C4310749, MONDO:0014883, OMIM 617047.
Myofibrillar myopathy 5. Also called: Filaminopathy (type); FILAMINOPATHY, AUTOSOMAL DOMINANT. Identifiers: Orphanet 171445, MedGen C1836050, MONDO:0012289, OMIM 609524.
Cardiovascular phenotype. Identifiers: MedGen CN230736.

Allele frequency attached by ClinVar (database versions not stated): TOPMed below 0.00001; gnomAD exomes 0.00001; ExAC 0.00002.
gnomAD v4.1: 20 of 1,613,562 alleles (0.0012%); highest among the groups gnomAD compares: Non-Finnish European, 0.0016%; no homozygotes.

Submissions (4):

Ambry Genetics
Classification: Uncertain significance for Cardiovascular phenotype. Last evaluated: 2025-10-27. Review status: criteria provided, single submitter. Criteria: Ambry Variant Classification Scheme 2023. Collection method: clinical testing. Allele origin: germline.
Comment: The p.T1611S variant (also known as c.4831A>T), located in coding exon 28 of the FLNC gene, results from an A to T substitution at nucleotide position 4831. The threonine at codon 1611 is replaced by serine, an amino acid with similar properties. This amino acid position is conserved. In addition, the in silico prediction for this alteration is inconclusive. Based on the available evidence, the clinical significance of this variant remains unclear.

Labcorp Genetics (formerly Invitae), Labcorp
Classification: Uncertain significance for Distal myopathy with posterior leg and anterior hand involvement; Myofibrillar myopathy 5; Hypertrophic cardiomyopathy 26. Last evaluated: 2025-05-14. Review status: criteria provided, single submitter. Criteria: Invitae Variant Classification Sherloc (09022015). Collection method: clinical testing. Allele origin: germline.
Comment: This sequence change replaces threonine, which is neutral and polar, with serine, which is neutral and polar, at codon 1611 of the FLNC protein (p.Thr1611Ser). This variant is present in population databases (rs770231264, gnomAD 0.004%). This variant has not been reported in the literature in individuals affected with FLNC-related conditions. ClinVar contains an entry for this variant (Variation ID: 1055720). Invitae Evidence Modeling of protein sequence and biophysical properties (such as structural, functional, and spatial information, amino acid conservation, physicochemical variation, residue mobility, and thermodynamic stability) has been performed for this missense variant. However, the output from this modeling did not meet the statistical confidence thresholds required to predict the impact of this variant on FLNC protein function. In summary, the available evidence is currently insufficient to determine the role of this variant in disease. Therefore, it has been classified as a Variant of Uncertain Significance.

Blueprint Genetics
Classification: Likely benign. Last evaluated: 2022-10-31. Review status: criteria provided, single submitter. Criteria: ACMG Guidelines, 2015. Collection method: clinical testing. Allele origin: germline.

GeneDx
Classification: Uncertain significance. Last evaluated: 2020-06-29. Review status: criteria provided, single submitter. Criteria: GeneDx Variant Classification Process June 2021. Collection method: clinical testing. Allele origin: germline. Affected: yes.
Comment: Has not been previously published as pathogenic or benign to our knowledge; Not observed at a significant frequency in large population cohorts (Lek et al., 2016); In silico analysis supports that this missense variant has a deleterious effect on protein structure/function